The following is an entry in ClinVar:

ClinVar aggregate classification (germline): Uncertain significance (1 of 4 stars; one submission).

Allele frequency attached by ClinVar (database versions not stated): gnomAD exomes below 0.00001; gnomAD 0.00002; TOPMed 0.00003.
gnomAD v4.1: 8 of 1,613,820 alleles (0.0005%); highest among the groups gnomAD compares: African/African-American, 0.0067%; no homozygotes.

Submission:

Labcorp Genetics (formerly Invitae), Labcorp
Classification: Uncertain significance. Last evaluated: 2022-09-12. Review status: criteria provided, single submitter. Criteria: Invitae Variant Classification Sherloc (09022015). Collection method: clinical testing. Allele origin: germline.
Comment: This sequence change replaces histidine, which is basic and polar, with tyrosine, which is neutral and polar, at codon 300 of the C8A protein (p.His300Tyr). This variant is present in population databases (no rsID available, gnomAD 0.01%). This variant has not been reported in the literature in individuals affected with C8A-related conditions. Algorithms developed to predict the effect of missense changes on protein structure and function are either unavailable or do not agree on the potential impact of this missense change (SIFT: "Tolerated"; PolyPhen-2: "Possibly Damaging"; Align-GVGD: "Class C15"). In summary, the available evidence is currently insufficient to determine the role of this variant in disease. Therefore, it has been classified as a Variant of Uncertain Significance.

NM_000562.3(C8A):c.898C>T (p.His300Tyr)

Gene: C8A (complement C8 alpha chain; plus strand). Cytogenetic location: 1p32.2.
Variant type: single nucleotide variant.
Coding change: c.898C>T on transcript NM_000562.3 (MANE Select); coding-DNA position 898, C replaced by T.
Protein change: p.His300Tyr; replaces histidine 300 with tyrosine.
Molecular consequence: missense variant.
Genome position (GRCh38, 1-based): chr1:56,885,969, C>T. VCF-style: chr1-56885969-C-T. GRCh37 (hg19) VCF-style: chr1-57351642-C-T.
Other names: short protein forms H300Y.
Identifiers: ClinVar variation 1943453 (VCV001943453.2), dbSNP rs1319210319, ClinGen allele CA340508704.